The following is an entry in ClinVar:

ClinVar aggregate classification (germline): Uncertain significance. Review status: criteria provided, multiple submitters, no conflicts (2 of 4 stars). 2 submissions from 2 submitters: Uncertain significance (2). Last evaluated 2023-06-06.

Conditions:
Deficiency of ferroxidase (ACEP). Also called: Deficiency of ceruloplasmin; Ceruloplasmin deficiency; Familial apoceruloplasmin deficiency; Hereditary ceruloplasmin deficiency; NEURODEGENERATION WITH BRAIN IRON ACCUMULATION 10; Aceruloplasminemia. Identifiers: Orphanet 48818, MedGen C0878682, MONDO:0011426, OMIM 604290, HP:0025498.

Allele frequency attached by ClinVar (database versions not stated): ExAC 0.00001; gnomAD exomes 0.00001.
gnomAD v4.1: 27 of 1,614,128 alleles (0.0017%); highest among the groups gnomAD compares: Non-Finnish European, 0.0023%; no homozygotes.

Submissions (2):

GeneDx
Classification: Uncertain significance. Last evaluated: 2023-06-06. Review status: criteria provided, single submitter. Criteria: GeneDx Variant Classification Process June 2021. Collection method: clinical testing. Allele origin: germline. Affected: yes.
Comment: In silico analysis supports that this missense variant has a deleterious effect on protein structure/function; Has not been previously published as pathogenic or benign to our knowledge

Illumina Laboratory Services, Illumina
Classification: Uncertain significance for Deficiency of ferroxidase. Last evaluated: 2018-01-13. Review status: criteria provided, single submitter. Criteria: ICSL Variant Classification Criteria 13 December 2019. Collection method: clinical testing. Allele origin: germline.

NM_000096.4(CP):c.1309A>G (p.Lys437Glu)

Gene: CP (ceruloplasmin; minus strand). Cytogenetic location: 3q25.1.
Variant type: single nucleotide variant.
Coding change: c.1309A>G on transcript NM_000096.4 (MANE Select); coding-DNA position 1309, A replaced by G.
Protein change: p.Lys437Glu; replaces lysine 437 with glutamic acid.
Molecular consequence: missense variant. On other transcripts: non-coding transcript variant (1).
Genome position (GRCh38, 1-based): chr3:149,202,141, T>C on the plus strand (A>G on the coding strand, the complement: CP is on the minus strand). VCF-style: chr3-149202141-T-C. GRCh37 (hg19) VCF-style: chr3-148919928-T-C.
Other names: short protein forms K437E.
Identifiers: ClinVar variation 343771 (VCV000343771.6), dbSNP rs764238637, ClinGen allele CA2661070.
Genomic context (GRCh38, chr3:149,202,141, plus strand): 5'-ATATATTCTGCAAGAACTCACCCAGGATGCCAAGATGCTCTTCTTCAGGGCCTCTCTCCT[T>C]TCGATTTGTGAAGGAGGCATCTGTGTACTCACGATAAACCAGCTTTTTATAAGAGCCTCC-3'
Protein context (NP_000087.2, residues 427-447): EYTDASFTNR[Lys437Glu]ERGPEEEHLG